The following is an entry in ClinVar:

ClinVar aggregate classification (germline): Pathogenic (1 of 4 stars; one submission).

Conditions:
Marfan syndrome (MFS). Also called: MARFAN SYNDROME, TYPE I; Marfan syndrome type 1; Marfan's syndrome; Marfan syndrome, classic; FBN1-Related Marfan Syndrome. Identifiers: Orphanet 284963, Orphanet 558, MedGen C0024796, MONDO:0007947, OMIM 154700.
Familial thoracic aortic aneurysm and aortic dissection (TAAD). Also called: Thoracic aortic aneurysms and dissections. Identifiers: Orphanet 91387, MedGen C4707243, MONDO:0019625.

Submission:

Labcorp Genetics (formerly Invitae), Labcorp
Classification: Pathogenic for Marfan syndrome; Familial thoracic aortic aneurysm and aortic dissection. Last evaluated: 2024-04-06. Review status: criteria provided, single submitter. Criteria: Invitae Variant Classification Sherloc (09022015). Collection method: clinical testing. Allele origin: germline.
Comment: This sequence change creates a premature translational stop signal (p.Val2751Cysfs*9) in the FBN1 gene. While this is not anticipated to result in nonsense mediated decay, it is expected to disrupt the last 121 amino acid(s) of the FBN1 protein. This variant is not present in population databases (gnomAD no frequency). This variant has not been reported in the literature in individuals affected with FBN1-related conditions. This variant disrupts a region of the FBN1 protein in which other variant(s) (p.Met2864Lys) have been determined to be pathogenic (Invitae). This suggests that this is a clinically significant region of the protein, and that variants that disrupt it are likely to be disease-causing. For these reasons, this variant has been classified as Pathogenic.

NM_000138.5(FBN1):c.8250dup (p.Val2751fs)

Gene: FBN1 (fibrillin 1; minus strand). Cytogenetic location: 15q21.1.
Variant type: Duplication.
Coding change: c.8250dup on transcript NM_000138.5 (MANE Select); coding-DNA position 8250, one base duplicated (T; older notation c.8250dupT).
Protein change: p.Val2751fs; shifts the reading frame from valine 2751.
Molecular consequence: frameshift variant.
Genome position (GRCh38, 1-based): chr15:48,411,356, A duplicated on the plus strand (T on the coding strand, the reverse complement: FBN1 is on the minus strand). VCF-style (leftmost placement, unchanged base first): chr15-48411355-C-CA. GRCh37 (hg19) VCF-style: chr15-48703552-C-CA.
Other names: c.8250dup, p.Val2751fs (NM_001406716.1); short protein forms V2751fs.
Identifiers: ClinVar variation 3755738 (VCV003755738.2).